The following is an entry in ClinVar:

NM_001543.5(NDST1):c.2457A>C (p.Gln819His)

Gene: NDST1 (N-deacetylase and N-sulfotransferase 1; plus strand). Cytogenetic location: 5q33.1.
Variant type: single nucleotide variant.
Coding change: c.2457A>C on transcript NM_001543.5 (MANE Select); coding-DNA position 2457, A replaced by C.
Protein change: p.Gln819His; replaces glutamine 819 with histidine.
Molecular consequence: missense variant.
Genome position (GRCh38, 1-based): chr5:150,551,783, A>C. VCF-style: chr5-150551783-A-C. GRCh37 (hg19) VCF-style: chr5-149931345-A-C.
Other names: c.2286A>C, p.Gln762His (NM_001301063.2); short protein forms Q762H, Q819H.
Identifiers: ClinVar variation 3615090 (VCV003615090.2).
Genomic context (GRCh38, chr5:150,551,783, plus strand): 5'-TCCCATCCAAAGACTTTCCCACCTCCACAGGTTTGATCCAAAGAAAGGATTTTGGTGCCA[A>C]CTGCTTGAAGGAGGAAAAACCAAGTGTCTGGGCAAAAGCAAGGGCCGGAAATATCCCGAG-3'
Protein context (NP_001534.1, residues 809-829): AFDPKKGFWC[Gln819His]LLEGGKTKCL

ClinVar aggregate classification (germline): Uncertain significance (1 of 4 stars; one submission).

Submission:

Labcorp Genetics (formerly Invitae), Labcorp
Classification: Uncertain significance. Last evaluated: 2024-11-29. Review status: criteria provided, single submitter. Criteria: Invitae Variant Classification Sherloc (09022015). Collection method: clinical testing. Allele origin: germline.
Comment: This sequence change replaces glutamine, which is neutral and polar, with histidine, which is basic and polar, at codon 819 of the NDST1 protein (p.Gln819His). This variant is not present in population databases (gnomAD no frequency). This variant has not been reported in the literature in individuals affected with NDST1-related conditions. Invitae Evidence Modeling of protein sequence and biophysical properties (such as structural, functional, and spatial information, amino acid conservation, physicochemical variation, residue mobility, and thermodynamic stability) indicates that this missense variant is not expected to disrupt NDST1 protein function with a negative predictive value of 80%. In summary, the available evidence is currently insufficient to determine the role of this variant in disease. Therefore, it has been classified as a Variant of Uncertain Significance.